The following is an entry in ClinVar:

NM_021098.3(CACNA1H):c.1885A>G (p.Ser629Gly)

Gene: CACNA1H (calcium voltage-gated channel subunit alpha1 H; plus strand). Cytogenetic location: 16p13.3.
Variant type: single nucleotide variant.
Coding change: c.1885A>G on transcript NM_021098.3 (MANE Select); coding-DNA position 1885, A replaced by G.
Protein change: p.Ser629Gly; replaces serine 629 with glycine.
Molecular consequence: missense variant.
Genome position (GRCh38, 1-based): chr16:1,202,335, A>G. VCF-style: chr16-1202335-A-G. GRCh37 (hg19) VCF-style: chr16-1252335-A-G.
Other names: c.1885A>G, p.Ser629Gly (NM_001005407.2); short protein forms S629G.
Identifiers: ClinVar variation 2940849 (VCV002940849.3), dbSNP rs2548646829, ClinGen allele CA394162886.

ClinVar aggregate classification (germline): Uncertain significance (1 of 4 stars; one submission).

Conditions:
Idiopathic generalized epilepsy. Also called: EIG; Generalised epilepsy. Identifiers: MedGen C0270850, MONDO:0005579, OMIM 600669.
Hyperaldosteronism, familial, type IV (HALD4). Also called: FH IV; ALDOSTERONISM, PRIMARY, AND HYPERTENSION. Identifiers: Orphanet 642671, MedGen C4310756, MONDO:0014875, OMIM 617027.

Allele frequency attached by ClinVar (database versions not stated): gnomAD exomes below 0.00001.
gnomAD v4.1: 4 of 1,576,820 alleles (0.00025%); highest among the groups gnomAD compares: Non-Finnish European, 0.00034%; no homozygotes.

Submission:

Labcorp Genetics (formerly Invitae), Labcorp
Classification: Uncertain significance for Idiopathic generalized epilepsy; Hyperaldosteronism, familial, type IV. Last evaluated: 2023-05-20. Review status: criteria provided, single submitter. Criteria: Invitae Variant Classification Sherloc (09022015). Collection method: clinical testing. Allele origin: germline.
Comment: This variant has not been reported in the literature in individuals affected with CACNA1H-related conditions. This sequence change replaces serine, which is neutral and polar, with glycine, which is neutral and non-polar, at codon 629 of the CACNA1H protein (p.Ser629Gly). This variant is not present in population databases (gnomAD no frequency). Advanced modeling of protein sequence and biophysical properties (such as structural, functional, and spatial information, amino acid conservation, physicochemical variation, residue mobility, and thermodynamic stability) performed at Invitae indicates that this missense variant is not expected to disrupt CACNA1H protein function. In summary, the available evidence is currently insufficient to determine the role of this variant in disease. Therefore, it has been classified as a Variant of Uncertain Significance.